The following is an entry in ClinVar:

NM_021044.4(DHH):c.160G>C (p.Glu54Gln)

Genes: DHH (desert hedgehog signaling molecule; minus strand), DHH-AS1 (DHH antisense RNA 1; plus strand). Cytogenetic location: 12q13.12.
Variant type: single nucleotide variant.
Coding change: c.160G>C on transcript NM_021044.4 (MANE Select); coding-DNA position 160, G replaced by C.
Protein change: p.Glu54Gln; replaces glutamic acid 54 with glutamine.
Molecular consequence: missense variant.
Genome position (GRCh38, 1-based): chr12:49,094,353, C>G on the plus strand (G>C on the coding strand, the complement: DHH is on the minus strand). VCF-style: chr12-49094353-C-G. GRCh37 (hg19) VCF-style: chr12-49488136-C-G.
Other names: short protein forms E54Q.
Identifiers: ClinVar variation 1337867 (VCV001337867.4), dbSNP rs2120839689, ClinGen allele CA384726462.

ClinVar aggregate classification (germline): Uncertain significance (1 of 4 stars; one submission).

Submission:

Genetic Services Laboratory, University of Chicago
Classification: Uncertain significance. Last evaluated: 2021-03-10. Review status: criteria provided, single submitter. Criteria: ACMG Guidelines, 2015. Collection method: clinical testing. Allele origin: germline. Affected: no.
Comment: DNA sequence analysis of the DHH gene demonstrated a sequence change, c.160G>C, in exon 1 that results in an amino acid change, p.Glu54Gln. This sequence change is absent from known population databases (gnomAD). The p.Glu54Gln change affects a highly conserved amino acid residue located in a domain of the DHH protein that is known to be functional. In-silico pathogenicity prediction tools (SIFT, PolyPhen2, Align GVGD, REVEL) provide contradictory results for the p.Glu54Gln substitution. This sequence change does not appear to have been previously described in patients with DHH-related disorders. Due to the lack of sufficient evidences, the clinical significance of the p.Glu54Gln change remains unknown at this time.